The following is an entry in ClinVar:

NM_000038.6(APC):c.7636del (p.Thr2546fs)

Gene: APC (APC regulator of Wnt signaling pathway; plus strand). Cytogenetic location: 5q22.2.
Variant type: Deletion.
Coding change: c.7636del on transcript NM_000038.6 (MANE Select); coding-DNA position 7636, one base deleted (A; older notation c.7636delA).
Protein change: p.Thr2546fs; shifts the reading frame from threonine 2546.
Molecular consequence: frameshift variant. On other transcripts: non-coding transcript variant (2).
Genome position (GRCh38, 1-based): chr5:112,843,230, A deleted; the last of 2 consecutive A bases (chr5:112,843,229-112,843,230); deleting either gives the same sequence. VCF-style (leftmost placement, unchanged base first): chr5-112843228-GA-G. GRCh37 (hg19) VCF-style: chr5-112178925-GA-G.
Other names: c.7636del, p.Thr2546fs (NM_001127510.3, NM_001354895.2, NM_001407450.1); c.7666del, p.Thr2556fs (NM_001354897.2); c.7690del, p.Thr2564fs (NM_001354896.2, NM_001407447.1, NM_001407448.1 and 1 more transcripts); c.7561del, p.Thr2521fs (NM_001354898.2); c.7582del, p.Thr2528fs (NM_001127511.3); c.7552del, p.Thr2518fs (NM_001354899.2); c.7513del, p.Thr2505fs (NM_001354900.2); c.7459del, p.Thr2487fs (NM_001354901.2, NM_001407453.1); and 11 more; short protein forms T2162fs, T2263fs, T2386fs, T2417fs, T2420fs, T2445fs, T2455fs, T2463fs.
Identifiers: ClinVar variation 2583849 (VCV002583849.1), dbSNP rs2533808403, ClinGen allele CA2582341629.

ClinVar aggregate classification (germline): Pathogenic (1 of 4 stars; one submission).

Conditions:
Familial adenomatous polyposis 1 (FAP1). Also called: FAMILIAL ADENOMATOUS POLYPOSIS 1, ATTENUATED; POLYPOSIS, ADENOMATOUS INTESTINAL. Identifiers: MedGen C2713442, MONDO:0021056, OMIM 175100. Disease mechanism: loss of function.

Submission:

Myriad Genetics, Inc.
Classification: Pathogenic for Familial adenomatous polyposis 1. Last evaluated: 2023-06-20. Review status: criteria provided, single submitter. Criteria: Myriad Autosomal Dominant, Autosomal Recessive and X-Linked Classification Criteria (2023). Collection method: clinical testing. Allele origin: unknown.
Comment: This variant is considered pathogenic. This variant creates a frameshift predicted to result in premature protein truncation.